The following is an entry in ClinVar:

NM_001128840.3(CACNA1D):c.3370C>T (p.His1124Tyr)

Genes: CACNA1D (calcium voltage-gated channel subunit alpha1 D; plus strand), LOC129936904 (ATAC-STARR-seq lymphoblastoid active region 19969; plus strand). Cytogenetic location: 3p21.1.
Variant type: single nucleotide variant.
Coding change: c.3370C>T on transcript NM_001128840.3 (MANE Select); coding-DNA position 3370, C replaced by T.
Protein change: p.His1124Tyr; replaces histidine 1124 with tyrosine.
Molecular consequence: missense variant.
Genome position (GRCh38, 1-based): chr3:53,749,323, C>T. VCF-style: chr3-53749323-C-T. GRCh37 (hg19) VCF-style: chr3-53783350-C-T.
Other names: c.3430C>T, p.His1144Tyr (NM_000720.4); c.3370C>T, p.His1124Tyr (NM_001128839.3); short protein forms H1124Y, H1144Y.
Identifiers: ClinVar variation 3655364 (VCV003655364.2).

ClinVar aggregate classification (germline): Uncertain significance (1 of 4 stars; one submission).

Submission:

Labcorp Genetics (formerly Invitae), Labcorp
Classification: Uncertain significance. Last evaluated: 2024-06-03. Review status: criteria provided, single submitter. Criteria: Invitae Variant Classification Sherloc (09022015). Collection method: clinical testing. Allele origin: germline.
Comment: This sequence change replaces histidine, which is basic and polar, with tyrosine, which is neutral and polar, at codon 1144 of the CACNA1D protein (p.His1144Tyr). This variant is not present in population databases (gnomAD no frequency). This variant has not been reported in the literature in individuals affected with CACNA1D-related conditions. Advanced modeling of protein sequence and biophysical properties (such as structural, functional, and spatial information, amino acid conservation, physicochemical variation, residue mobility, and thermodynamic stability) performed at Invitae indicates that this missense variant is not expected to disrupt CACNA1D protein function with a negative predictive value of 80%. In summary, the available evidence is currently insufficient to determine the role of this variant in disease. Therefore, it has been classified as a Variant of Uncertain Significance.